The following is an entry in ClinVar:

ClinVar aggregate classification (germline): Uncertain significance (1 of 4 stars; one submission).

Allele frequency attached by ClinVar (database versions not stated): gnomAD exomes 0.00001.
gnomAD v4.1: 3 of 1,614,240 alleles (0.00019%); highest among the groups gnomAD compares: Non-Finnish European, 0.00025%; no homozygotes.

Submission:

Labcorp Genetics (formerly Invitae), Labcorp
Classification: Uncertain significance. Last evaluated: 2023-10-03. Review status: criteria provided, single submitter. Criteria: Invitae Variant Classification Sherloc (09022015). Collection method: clinical testing. Allele origin: germline.
Comment: This sequence change replaces asparagine, which is neutral and polar, with serine, which is neutral and polar, at codon 378 of the ACBD5 protein (p.Asn378Ser). This variant is not present in population databases (gnomAD no frequency). This variant has not been reported in the literature in individuals affected with ACBD5-related conditions. ClinVar contains an entry for this variant (Variation ID: 1933591). Advanced modeling of protein sequence and biophysical properties (such as structural, functional, and spatial information, amino acid conservation, physicochemical variation, residue mobility, and thermodynamic stability) performed at Invitae indicates that this missense variant is not expected to disrupt ACBD5 protein function. In summary, the available evidence is currently insufficient to determine the role of this variant in disease. Therefore, it has been classified as a Variant of Uncertain Significance.

NM_145698.5(ACBD5):c.1133A>G (p.Asn378Ser)

Gene: ACBD5 (acyl-CoA binding domain containing 5; minus strand). Cytogenetic location: 10p12.1.
Variant type: single nucleotide variant.
Coding change: c.1133A>G on transcript NM_145698.5 (MANE Select); coding-DNA position 1133, A replaced by G.
Protein change: p.Asn378Ser; replaces asparagine 378 with serine.
Molecular consequence: missense variant.
Genome position (GRCh38, 1-based): chr10:27,210,885, T>C on the plus strand (A>G on the coding strand, the complement: ACBD5 is on the minus strand). VCF-style: chr10-27210885-T-C. GRCh37 (hg19) VCF-style: chr10-27499814-T-C.
Other names: c.1028A>G, p.Asn343Ser (NM_001042473.4, NM_001352577.2, NM_001352578.2 and 1 more transcripts); c.1127A>G, p.Asn376Ser (NM_001271512.3); c.806A>G, p.Asn269Ser (NM_001301251.2, NM_001301252.2, NM_001301253.2 and 2 more transcripts); c.602A>G, p.Asn201Ser (NM_001301254.2); c.1187A>G, p.Asn396Ser (NM_001352568.1); c.1166A>G, p.Asn389Ser (NM_001352569.1); c.1133A>G, p.Asn378Ser (NM_001352570.1); c.1160A>G, p.Asn387Ser (NM_001352571.1); and 10 more; short protein forms N269S, N275S, N319S, N321S, N378S, N389S, N310S, N371S.
Identifiers: ClinVar variation 1933591 (VCV001933591.4), dbSNP rs2540600807, ClinGen allele CA376373816.